The following is an entry in ClinVar:

NM_001165963.4(SCN1A):c.4006G>A (p.Val1336Ile)

Genes: SCN1A (sodium voltage-gated channel alpha subunit 1; minus strand), LOC102724058 (uncharacterized LOC102724058; plus strand). Cytogenetic location: 2q24.3.
Variant type: single nucleotide variant.
Coding change: c.4006G>A on transcript NM_001165963.4 (MANE Select); coding-DNA position 4006, G replaced by A.
Protein change: p.Val1336Ile; replaces valine 1336 with isoleucine.
Molecular consequence: missense variant. On other transcripts: non-coding transcript variant (1).
Genome position (GRCh38, 1-based): chr2:166,002,750, C>T on the plus strand (G>A on the coding strand, the complement: SCN1A is on the minus strand). VCF-style: chr2-166002750-C-T. GRCh37 (hg19) VCF-style: chr2-166859260-C-T.
Other names: p.V1336I:GTT>ATT; c.3922G>A, p.Val1308Ile (NM_001165964.3, NM_001353957.2, NM_001353958.2); c.4006G>A, p.Val1336Ile (NM_001202435.3, NM_001353948.2); c.3973G>A, p.Val1325Ile (NM_001353949.2, NM_001353950.2, NM_001353951.2 and 2 more transcripts); c.3970G>A, p.Val1324Ile (NM_001353954.2, NM_001353955.2); c.3919G>A, p.Val1307Ile (NM_001353960.2); c.1564G>A, p.Val522Ile (NM_001353961.2); short protein forms V1325I, V1336I, V1308I, V1307I, V1324I, V522I.
Identifiers: ClinVar variation 206817 (VCV000206817.3), dbSNP rs796053005, ClinGen allele CA317425.

ClinVar aggregate classification (germline): Pathogenic (1 of 4 stars; one submission).

Submission:

GeneDx
Classification: Pathogenic. Last evaluated: 2023-07-19. Review status: criteria provided, single submitter. Criteria: GeneDx Variant Classification Process June 2021. Collection method: clinical testing. Allele origin: germline. Affected: yes.
Comment: This substitution is predicted to be within the intracellular loop between the S4 and S5 transmembrane segments of the third homologous domain.; Not observed at significant frequency in large population cohorts (gnomAD); Missense variants in this gene are often considered pathogenic (HGMD); Has not been previously published as pathogenic or benign to our knowledge; In silico analysis supports that this missense variant does not alter protein structure/function